The following is an entry in ClinVar:

ClinVar aggregate classification (germline): Uncertain significance (1 of 4 stars; one submission).

Conditions:
Vici syndrome (VICIS). Identifiers: Orphanet 1493, MedGen C1855772, MONDO:0009452, OMIM 242840.

Allele frequency attached by ClinVar (database versions not stated): gnomAD 0.00002; gnomAD exomes 0.00003; TOPMed 0.00003; ExAC 0.00004.
gnomAD v4.1: 43 of 1,614,058 alleles (0.0027%); highest among the groups gnomAD compares: Non-Finnish European, 0.0036%; no homozygotes.

Submission:

Labcorp Genetics (formerly Invitae), Labcorp
Classification: Uncertain significance for Vici syndrome. Last evaluated: 2025-01-13. Review status: criteria provided, single submitter. Criteria: Invitae Variant Classification Sherloc (09022015). Collection method: clinical testing. Allele origin: germline.
Comment: This sequence change replaces aspartic acid, which is acidic and polar, with valine, which is neutral and non-polar, at codon 1940 of the EPG5 protein (p.Asp1940Val). This variant is present in population databases (rs765081514, gnomAD 0.007%). This variant has not been reported in the literature in individuals affected with EPG5-related conditions. ClinVar contains an entry for this variant (Variation ID: 1906459). Invitae Evidence Modeling of protein sequence and biophysical properties (such as structural, functional, and spatial information, amino acid conservation, physicochemical variation, residue mobility, and thermodynamic stability) indicates that this missense variant is not expected to disrupt EPG5 protein function with a negative predictive value of 80%. In summary, the available evidence is currently insufficient to determine the role of this variant in disease. Therefore, it has been classified as a Variant of Uncertain Significance.

NM_020964.3(EPG5):c.5819A>T (p.Asp1940Val)

Gene: EPG5 (ectopic P-granules 5 autophagy tethering factor; minus strand). Cytogenetic location: 18q12.3.
Variant type: single nucleotide variant.
Coding change: c.5819A>T on transcript NM_020964.3 (MANE Select); coding-DNA position 5819, A replaced by T.
Protein change: p.Asp1940Val; replaces aspartic acid 1940 with valine.
Molecular consequence: missense variant.
Genome position (GRCh38, 1-based): chr18:45,879,063, T>A on the plus strand (A>T on the coding strand, the complement: EPG5 is on the minus strand). VCF-style: chr18-45879063-T-A. GRCh37 (hg19) VCF-style: chr18-43459028-T-A.
Other names: c.5819A>T, p.Asp1940Val (NM_001410858.1, NM_001410859.1); short protein forms D1940V.
Identifiers: ClinVar variation 1906459 (VCV001906459.4), dbSNP rs765081514, ClinGen allele CA8948479.
Genomic context (GRCh38, chr18:45,879,063, plus strand): 5'-AGTATATTACCTGTTTTCCTGCTGGCAGTTGGGTCTTGGGCCAAACAGGTCATTTCTAAG[T>A]CAATCAGCCTTTTCACAAGGTAGCCCAAGAATGTCTTCACATCAGCCATATAAGGACTCC-3'
Protein context (NP_066015.2, residues 1930-1950): FLGYLVKRLI[Asp1940Val]LEMTCLAQDP